The following is an entry in ClinVar:

NM_022167.4(XYLT2):c.1007+6G>A

Gene: XYLT2 (xylosyltransferase 2; plus strand). Cytogenetic location: 17q21.33.
Variant type: single nucleotide variant.
Coding change: c.1007+6G>A on transcript NM_022167.4 (MANE Select); 6 bases into the intron after coding-DNA position 1007, G replaced by A.
Molecular consequence: intron variant.
Genome position (GRCh38, 1-based): chr17:50,355,062, G>A. VCF-style: chr17-50355062-G-A. GRCh37 (hg19) VCF-style: chr17-48432423-G-A.
Identifiers: ClinVar variation 1403828 (VCV001403828.7), dbSNP rs777998528, ClinGen allele CA8646322.

ClinVar aggregate classification (germline): Uncertain significance (1 of 4 stars; one submission).

Allele frequency attached by ClinVar (database versions not stated): gnomAD 0.00001; TOPMed 0.00001; gnomAD exomes 0.00002; ExAC 0.00003.
gnomAD v4.1: 25 of 1,526,468 alleles (0.0016%); highest among the groups gnomAD compares: Middle Eastern, 0.018%; no homozygotes.

Submission:

Labcorp Genetics (formerly Invitae), Labcorp
Classification: Uncertain significance. Last evaluated: 2020-12-21. Review status: criteria provided, single submitter. Criteria: Invitae Variant Classification Sherloc (09022015). Collection method: clinical testing. Allele origin: germline.
Comment: Algorithms developed to predict the effect of sequence changes on RNA splicing suggest that this variant may disrupt the consensus splice site, but this prediction has not been confirmed by published transcriptional studies. In summary, the available evidence is currently insufficient to determine the role of this variant in disease. Therefore, it has been classified as a Variant of Uncertain Significance. This variant has not been reported in the literature in individuals with XYLT2-related conditions. This sequence change falls in intron 4 of the XYLT2 gene. It does not directly change the encoded amino acid sequence of the XYLT2 protein, but it affects a nucleotide within the consensus splice site of the intron. This variant is present in population databases (rs777998528, ExAC 0.005%).